The following is an entry in ClinVar:

ClinVar aggregate classification (germline): Uncertain significance. Review status: criteria provided, multiple submitters, no conflicts (2 of 4 stars). 3 submissions from 3 submitters: Uncertain significance (2). 1 of the submissions does not count toward it. Last evaluated 2023-09-19.

Conditions:
Alpha thalassemia-X-linked intellectual disability syndrome (ATRX). Also called: ATR-X syndrome; Alpha thalassemia mental retardation syndrome, nondeletion type, X-linked; XLMR hypotonic face syndrome; ALPHA-THALASSEMIA/IMPAIRED INTELLECTUAL DEVELOPMENT SYNDROME, X-LINKED; ALPHA-THALASSEMIA/MENTAL RETARDATION SYNDROME, X-LINKED; ATR, NONDELETION TYPE. Identifiers: Orphanet 847, MedGen C1845055, MONDO:0010519, OMIM 301040.
ATRX-related disorder. Also called: ATRX-related condition.

Allele frequency attached by ClinVar (database versions not stated): gnomAD exomes 0.00001; TOPMed below 0.00001.
gnomAD v4.1: 7 of 1,210,231 alleles (0.00058%); highest among the groups gnomAD compares: Non-Finnish European, 0.00067%; no homozygotes.

Submissions (3):

PreventionGenetics, part of Exact Sciences
Classification: Uncertain significance for ATRX-related condition. Last evaluated: 2023-09-19. Review status: criteria provided, single submitter. Criteria: ACMG Guidelines, 2015. Collection method: clinical testing. Allele origin: germline.
Comment: The ATRX c.3200C>T variant is predicted to result in the amino acid substitution p.Ser1067Leu. To our knowledge, this variant has not been reported in the literature or in a large population database, indicating this variant is rare. At this time, the clinical significance of this variant is uncertain due to the absence of conclusive functional and genetic evidence.

Labcorp Genetics (formerly Invitae), Labcorp
Classification: Uncertain significance for Alpha thalassemia-X-linked intellectual disability syndrome. Last evaluated: 2021-09-01. Review status: criteria provided, single submitter. Criteria: Invitae Variant Classification Sherloc (09022015). Collection method: clinical testing. Allele origin: germline.
Comment: This sequence change replaces serine with leucine at codon 1067 of the ATRX protein (p.Ser1067Leu). The serine residue is weakly conserved and there is a large physicochemical difference between serine and leucine. This variant is not present in population databases (ExAC no frequency). This variant has not been reported in the literature in individuals affected with ATRX-related conditions. Algorithms developed to predict the effect of missense changes on protein structure and function output the following: SIFT: "Tolerated"; PolyPhen-2: "Benign"; Align-GVGD: "Class C0". The leucine amino acid residue is found in multiple mammalian species, which suggests that this missense change does not adversely affect protein function. In summary, the available evidence is currently insufficient to determine the role of this variant in disease. Therefore, it has been classified as a Variant of Uncertain Significance.

Natera, Inc.
Classification: Uncertain significance for X-linked alpha-thalassemia-mental retardation syndrome. Last evaluated: 2020-02-21. Review status: no assertion criteria provided. Collection method: clinical testing. Allele origin: germline. Not counted in ClinVar's aggregate classification.

NM_000489.6(ATRX):c.3200C>T (p.Ser1067Leu)

Gene: ATRX (ATRX chromatin remodeler; minus strand). Cytogenetic location: Xq21.1.
Variant type: single nucleotide variant.
Coding change: c.3200C>T on transcript NM_000489.6 (MANE Select); coding-DNA position 3200, C replaced by T.
Protein change: p.Ser1067Leu; replaces serine 1067 with leucine.
Molecular consequence: missense variant.
Genome position (GRCh38, 1-based): chrX:77,682,056, G>A on the plus strand (C>T on the coding strand, the complement: ATRX is on the minus strand). VCF-style: chrX-77682056-G-A. GRCh37 (hg19) VCF-style: chrX-76937548-G-A.
Other names: c.3086C>T, p.Ser1029Leu (NM_138270.5); short protein forms S1067L, S1029L.
Identifiers: ClinVar variation 844484 (VCV000844484.12), dbSNP rs2071236443, ClinGen allele CA413707374.